The following is an entry in ClinVar:

ClinVar aggregate classification (germline): Uncertain significance (1 of 4 stars; one submission).

Conditions:
Biotinidase deficiency. Also called: Biotin deficiency; BTD deficiency; Late-onset biotin-responsive multiple carboxylase deficiency. Identifiers: Orphanet 79241, MedGen C0220754, MONDO:0009665, OMIM 253260.

gnomAD v4.1: 1 of 1,614,154 alleles (0.000062%); highest among the groups gnomAD compares: Non-Finnish European, 0.000085%; no homozygotes.

Submission:

Labcorp Genetics (formerly Invitae), Labcorp
Classification: Uncertain significance for Biotinidase deficiency. Last evaluated: 2025-12-20. Review status: criteria provided, single submitter. Criteria: Invitae Variant Classification Sherloc (09022015). Collection method: clinical testing. Allele origin: germline.
Comment: This sequence change replaces proline, which is neutral and non-polar, with leucine, which is neutral and non-polar, at codon 235 of the BTD protein (p.Pro235Leu). This variant is not present in population databases (gnomAD no frequency). This variant has not been reported in the literature in individuals affected with BTD-related conditions. Invitae Evidence Modeling of protein sequence and biophysical properties (such as structural, functional, and spatial information, amino acid conservation, physicochemical variation, residue mobility, and thermodynamic stability) indicates that this missense variant is expected to disrupt BTD protein function with a positive predictive value of 95%. In summary, the available evidence is currently insufficient to determine the role of this variant in disease. Therefore, it has been classified as a Variant of Uncertain Significance.

NM_001370658.1(BTD):c.644C>T (p.Pro215Leu)

Gene: BTD (biotinidase; plus strand). Cytogenetic location: 3p25.1.
Variant type: single nucleotide variant.
Coding change: c.644C>T on transcript NM_001370658.1 (MANE Select); coding-DNA position 644, C replaced by T.
Protein change: p.Pro215Leu; replaces proline 215 with leucine.
Molecular consequence: missense variant. On other transcripts: intron variant (6).
Genome position (GRCh38, 1-based): chr3:15,644,560, C>T. VCF-style: chr3-15644560-C-T. GRCh37 (hg19) VCF-style: chr3-15686067-C-T.
Other names: c.644C>T, p.Pro215Leu (NM_001281723.4, NM_001281724.3, NM_001281725.3 and 18 more transcripts); c.399+2503C>T (NM_001370753.1, NM_001407400.1, NM_001407401.1 and 3 more transcripts); short protein forms P215L.
Identifiers: ClinVar variation 4767178 (VCV004767178.1).